The following is an entry in ClinVar:

NM_001099274.3(TINF2):c.621C>G (p.Asp207Glu)

Gene: TINF2 (TERF1 interacting nuclear factor 2; minus strand). Cytogenetic location: 14q12.
Variant type: single nucleotide variant.
Coding change: c.621C>G on transcript NM_001099274.3 (MANE Select); coding-DNA position 621, C replaced by G.
Protein change: p.Asp207Glu; replaces aspartic acid 207 with glutamic acid.
Molecular consequence: missense variant.
Genome position (GRCh38, 1-based): chr14:24,240,859, G>C on the plus strand (C>G on the coding strand, the complement: TINF2 is on the minus strand). VCF-style: chr14-24240859-G-C. GRCh37 (hg19) VCF-style: chr14-24710065-G-C.
Other names: c.516C>G, p.Asp172Glu (NM_001363668.2); c.621C>G, p.Asp207Glu (NM_012461.3); short protein forms D172E, D207E.
Identifiers: ClinVar variation 1020514 (VCV001020514.9), dbSNP rs775914928, ClinGen allele CA7130591.
Genomic context (GRCh38, chr14:24,240,859, plus strand): 5'-GAGTGCTAGTCTTTGTTGCTGAGGAGGATTCTGTTCCATGGGCTCAGCCAGGTTCACTGA[G>C]TCAGTAACAGAGCACTCTGAAAAAGAAAATGAGGCCCCTTATAAAGAGAACAGATAGTAA-3'
Protein context (NP_001092744.1, residues 197-217): GWLLPECSVT[Asp207Glu]SVNLAEPMEQ

ClinVar aggregate classification (germline): Uncertain significance. Review status: criteria provided, multiple submitters, no conflicts (2 of 4 stars). 2 submissions from 2 submitters: Uncertain significance (2). Last evaluated 2025-01-14.

Conditions:
Dyskeratosis congenita. Identifiers: Orphanet 1775, MedGen C0265965, MONDO:0015780.
Dyskeratosis congenita, autosomal dominant 3. Identifiers: MedGen C3151445, MONDO:0013522, OMIM 613990.

Allele frequency attached by ClinVar (database versions not stated): gnomAD exomes below 0.00001 and 0.00001; ExAC 0.00001; gnomAD 0.00001; TOPMed 0.00001.
gnomAD v4.1: 8 of 1,613,916 alleles (0.0005%); highest among the groups gnomAD compares: East Asian, 0.013%; no homozygotes.

Submissions (2):

Labcorp Genetics (formerly Invitae), Labcorp
Classification: Uncertain significance for Dyskeratosis congenita. Last evaluated: 2025-01-14. Review status: criteria provided, single submitter. Criteria: Invitae Variant Classification Sherloc (09022015). Collection method: clinical testing. Allele origin: germline.
Comment: This sequence change replaces aspartic acid, which is acidic and polar, with glutamic acid, which is acidic and polar, at codon 207 of the TINF2 protein (p.Asp207Glu). This variant is present in population databases (rs775914928, gnomAD 0.02%). This variant has not been reported in the literature in individuals affected with TINF2-related conditions. ClinVar contains an entry for this variant (Variation ID: 1020514). An algorithm developed to predict the effect of missense changes on protein structure and function (PolyPhen-2) suggests that this variant is likely to be disruptive. In summary, the available evidence is currently insufficient to determine the role of this variant in disease. Therefore, it has been classified as a Variant of Uncertain Significance.

Department of Pathology and Laboratory Medicine, Sinai Health System
Classification: Uncertain significance for dyskeratosis congenita, autosomal dominant 3. Last evaluated: 2021-03-14. Review status: criteria provided, single submitter. Criteria: ACMG Guidelines, 2015. Collection method: research. Allele origin: germline.